The following is an entry in ClinVar:

NM_001164508.2(NEB):c.19836+1del

Gene: NEB (nebulin; minus strand). Cytogenetic location: 2q23.3.
Variant type: Deletion.
Coding change: c.19836+1del on transcript NM_001164508.2 (MANE Select); the canonical splice donor site of the intron after coding-DNA position 19836, one base deleted (G; older notation c.19836+1delG).
Molecular consequence: splice donor variant.
Genome position (GRCh38, 1-based): chr2:151,552,671, C deleted on the plus strand (G on the coding strand, the reverse complement: NEB is on the minus strand). VCF-style (leftmost placement, unchanged base first): chr2-151552670-AC-A. GRCh37 (hg19) VCF-style: chr2-152409184-AC-A.
Other names: c.14733+1del (NM_004543.5); c.19836+1del (NM_001164507.2, NM_001271208.2).
Identifiers: ClinVar variation 2123383 (VCV002123383.4), dbSNP rs2552184207, ClinGen allele CA2580063930.

ClinVar aggregate classification (germline): Likely pathogenic (1 of 4 stars; one submission).

Conditions:
Nemaline myopathy 2 (NEM2). Also called: Nemaline myopathy 2, autosomal recessive. Identifiers: MedGen C1850569, MONDO:0009725, OMIM 256030.

Submission:

Labcorp Genetics (formerly Invitae), Labcorp
Classification: Likely pathogenic for Nemaline myopathy 2. Last evaluated: 2022-04-08. Review status: criteria provided, single submitter. Criteria: Invitae Variant Classification Sherloc (09022015). Collection method: clinical testing. Allele origin: germline.
Comment: In summary, the currently available evidence indicates that the variant is pathogenic, but additional data are needed to prove that conclusively. Therefore, this variant has been classified as Likely Pathogenic. Algorithms developed to predict the effect of sequence changes on RNA splicing suggest that this variant may disrupt the consensus splice site. This variant has not been reported in the literature in individuals affected with NEB-related conditions. This variant is not present in population databases (gnomAD no frequency). This sequence change affects a splice site in intron 128 of the NEB gene. It is expected to disrupt RNA splicing. Variants that disrupt the donor or acceptor splice site typically lead to a loss of protein function (PMID: 16199547), and loss-of-function variants in NEB are known to be pathogenic (PMID: 25205138).

Literature cited by the submitters: PubMed 16199547; PubMed 25205138.